The following is an entry in ClinVar:

ClinVar aggregate classification (germline): Benign. Review status: criteria provided, multiple submitters, no conflicts (2 of 4 stars). 2 submissions from 2 submitters: Benign (2). Last evaluated 2018-01-13.

Conditions:
Congenital stationary night blindness 1D. Also called: Night blindness, congenital stationary (complete), 1D, autosomal recessive. Identifiers: Orphanet 215, MedGen C3151193, MONDO:0013450, OMIM 613830.

Allele frequency attached by ClinVar (database versions not stated): 1000 Genomes Project 30x 0.01936; 1000 Genomes Project 0.02037; TOPMed 0.03232; gnomAD exomes 0.03552 and 0.05199; gnomAD 0.03675 and 0.03721; ExAC 0.05022.
gnomAD v4.1: 51,515 of 1,042,766 alleles (4.9%); highest among the groups gnomAD compares: Non-Finnish European, 5.7%; 1,544 homozygotes.

Submissions (2):

Illumina Laboratory Services, Illumina
Classification: Benign for Congenital stationary night blindness 1D. Last evaluated: 2018-01-13. Review status: criteria provided, single submitter. Criteria: ICSL Variant Classification Criteria 13 December 2019. Collection method: clinical testing. Allele origin: germline.
Comment: This variant was observed in the ICSL laboratory as part of a predisposition screen in an ostensibly healthy population. It had not been previously curated by ICSL or reported in the Human Gene Mutation Database (HGMD: prior to June 1st, 2018), and was therefore a candidate for classification through an automated scoring system. Utilizing variant allele frequency, disease prevalence and penetrance estimates, and inheritance mode, an automated score was calculated to assess if this variant is too frequent to cause the disease. Based on the score and internal cut-off values, a variant classified as benign is not then subjected to further curation. The score for this variant resulted in a classification of benign for this disease.

Breakthrough Genomics
Classification: Benign. Review status: criteria provided, single submitter. Criteria: ACMG Guidelines, 2015. Collection method: not provided. Allele origin: germline. Inheritance: Autosomal recessive inheritance. Affected: yes.

NM_004727.3(SLC24A1):c.*718C>A

Gene: SLC24A1 (solute carrier family 24 member 1; plus strand). Cytogenetic location: 15q22.31.
Variant type: single nucleotide variant.
Coding change: c.*718C>A on transcript NM_004727.3 (MANE Select); 718 bases downstream of the stop codon, C replaced by A.
Molecular consequence: 3 prime UTR variant. On other transcripts: intron variant (1).
Genome position (GRCh38, 1-based): chr15:65,654,797, C>A. VCF-style: chr15-65654797-C-A. GRCh37 (hg19) VCF-style: chr15-65947135-C-A.
Other names: c.*718C>A (NM_001254740.2, NM_001301031.1, NM_001301032.1); c.2996+1989C>A (NM_001301033.2).
Identifiers: ClinVar variation 316813 (VCV000316813.6), dbSNP rs12148277, ClinGen allele CA7620369.